The following is an entry in ClinVar:

NM_001367624.2(ZNF469):c.6474C>T (p.Asp2158=)

Gene: ZNF469 (zinc finger protein 469; plus strand). Cytogenetic location: 16q24.2.
Variant type: single nucleotide variant.
Coding change: c.6474C>T on transcript NM_001367624.2 (MANE Select); coding-DNA position 6474, C replaced by T.
Protein change: p.Asp2158=; no amino-acid change (aspartic acid 2158 retained).
Molecular consequence: synonymous variant.
Genome position (GRCh38, 1-based): chr16:88,433,944, C>T. VCF-style: chr16-88433944-C-T. GRCh37 (hg19) VCF-style: chr16-88500352-C-T.
Other names: NM_001127464.2:c.6390C>T; NM_001127464.1:c.6390C>T.
Identifiers: ClinVar variation 1702145 (VCV001702145.13), dbSNP rs1350203416, ClinGen allele CA497356554.
Genomic context (GRCh38, chr16:88,433,944, plus strand): 5'-GCCTTCCAGGGCCCAAGGTGGGCTGGGGGGGCAGCTGCCAGCATCTCCGTCCTGCAGGGA[C>T]CCTCCCGGCCCCCAGCAGCTGCTGGCCTGTTCTCCTGCCTGGGCACCTCTGGAAGAGGCA-3'
Protein context (NP_001354553.1, residues 2148-2168): GQLPASPSCR[Asp2158=]PPGPQQLLAC

ClinVar aggregate classification (germline): Conflicting classifications of pathogenicity. Review status: criteria provided, conflicting classifications (1 of 4 stars). 6 submissions from 6 submitters: Uncertain significance (1); Likely benign (4). 1 of the submissions does not count toward it. Last evaluated 2026-05-01.

Conditions:
Ehlers-Danlos syndrome (EDS). Identifiers: Orphanet 98249, MedGen C0013720, MONDO:0020066.
ZNF469-related disorder. Also called: ZNF469-related condition.
Cardiovascular phenotype. Identifiers: MedGen CN230736.

Allele frequency attached by ClinVar (database versions not stated): TOPMed 0.00002; gnomAD 0.00003; gnomAD exomes 0.00003.
gnomAD v4.1: 104 of 1,550,084 alleles (0.0067%); highest among the groups gnomAD compares: Non-Finnish European, 0.0082%; no homozygotes.

Submissions (6):

CeGaT Center for Human Genetics Tuebingen
Classification: Likely benign. Last evaluated: 2026-05-01. Review status: criteria provided, single submitter. Criteria: CeGaT Center For Human Genetics Tuebingen Variant Classification Criteria Version 2. Collection method: clinical testing. Allele origin: germline. Affected: yes. Observed: 1 variant allele.
Comment: ZNF469: BP4, BP7

Women's Health and Genetics/Laboratory Corporation of America, LabCorp
Classification: Likely benign. Last evaluated: 2026-02-03. Review status: criteria provided, single submitter. Criteria: LabCorp Variant Classification Summary - May 2015. Collection method: clinical testing. Allele origin: germline.

Labcorp Genetics (formerly Invitae), Labcorp
Classification: Likely benign. Last evaluated: 2025-11-24. Review status: criteria provided, single submitter. Criteria: Invitae Variant Classification Sherloc (09022015). Collection method: clinical testing. Allele origin: germline.

Genome Diagnostics Laboratory, The Hospital for Sick Children
Classification: Uncertain significance for Ehlers-Danlos syndrome. Last evaluated: 2021-02-01. Review status: criteria provided, single submitter. Criteria: ACMG Guidelines, 2015. Collection method: clinical testing. Allele origin: germline.

Ambry Genetics
Classification: Likely benign for Cardiovascular phenotype. Last evaluated: 2020-03-16. Review status: criteria provided, single submitter. Criteria: Ambry Variant Classification Scheme 2023. Collection method: clinical testing. Allele origin: germline.

PreventionGenetics, part of Exact Sciences
Classification: Likely benign for ZNF469-related condition. Last evaluated: 2019-09-10. Review status: no assertion criteria provided. Collection method: clinical testing. Allele origin: germline. Not counted in ClinVar's aggregate classification.
Comment: This variant is classified as likely benign based on ACMG/AMP sequence variant interpretation guidelines (Richards et al. 2015 PMID: 25741868, with internal and published modifications).